The following is an entry in ClinVar:

NM_012301.4(MAGI2):c.2118G>A (p.Thr706=)

Gene: MAGI2 (membrane associated guanylate kinase, WW and PDZ domain containing 2; minus strand). Cytogenetic location: 7q21.11.
Variant type: single nucleotide variant.
Coding change: c.2118G>A on transcript NM_012301.4 (MANE Select); coding-DNA position 2118, G replaced by A.
Protein change: p.Thr706=; no amino-acid change (threonine 706 retained).
Molecular consequence: synonymous variant.
Genome position (GRCh38, 1-based): chr7:78,195,025, C>T on the plus strand (G>A on the coding strand, the complement: MAGI2 is on the minus strand). VCF-style: chr7-78195025-C-T. GRCh37 (hg19) VCF-style: chr7-77824342-C-T.
Other names: c.2118G>A, p.Thr706= (NM_001301128.2).
Identifiers: ClinVar variation 4534137 (VCV004534137.7).

ClinVar aggregate classification (germline): Likely benign. Review status: criteria provided, multiple submitters, no conflicts (2 of 4 stars). 2 submissions from 2 submitters: Likely benign (2). Last evaluated 2025-10-01.

gnomAD v4.1: 101 of 1,612,756 alleles (0.0063%); highest among the groups gnomAD compares: Non-Finnish European, 0.0079%; no homozygotes.

Submissions (2):

CeGaT Center for Human Genetics Tuebingen
Classification: Likely benign. Last evaluated: 2025-10-01. Review status: criteria provided, single submitter. Criteria: CeGaT Center For Human Genetics Tuebingen Variant Classification Criteria Version 2. Collection method: clinical testing. Allele origin: germline. Affected: yes. Observed: 1 variant allele.
Comment: MAGI2: BP4, BP7

Labcorp Genetics (formerly Invitae), Labcorp
Classification: Likely benign. Last evaluated: 2025-09-03. Review status: criteria provided, single submitter. Criteria: Invitae Variant Classification Sherloc (09022015). Collection method: clinical testing. Allele origin: germline.